The following is an entry in ClinVar:

NM_001354483.2(CSGALNACT1):c.1364G>C (p.Arg455Pro)

Gene: CSGALNACT1 (chondroitin sulfate N-acetylgalactosaminyltransferase 1; minus strand). Cytogenetic location: 8p21.3.
Variant type: single nucleotide variant.
Coding change: c.1364G>C on transcript NM_001354483.2 (MANE Select); coding-DNA position 1364, G replaced by C.
Protein change: p.Arg455Pro; replaces arginine 455 with proline.
Molecular consequence: missense variant. On other transcripts: non-coding transcript variant (7).
Genome position (GRCh38, 1-based): chr8:19,406,015, C>G on the plus strand (G>C on the coding strand, the complement: CSGALNACT1 is on the minus strand). VCF-style: chr8-19406015-C-G. GRCh37 (hg19) VCF-style: chr8-19263526-C-G.
Other names: c.1364G>C, p.Arg455Pro (NM_001354490.2, NM_001354491.2, NM_001354492.2 and 18 more transcripts); short protein forms R455P.
Identifiers: ClinVar variation 2073842 (VCV002073842.4), dbSNP rs148967858, ClinGen allele CA370458981.

ClinVar aggregate classification (germline): Uncertain significance (1 of 4 stars; one submission).

gnomAD v4.1: 4 of 1,614,194 alleles (0.00025%); highest among the groups gnomAD compares: East Asian, 0.0045%; no homozygotes.

Submission:

Labcorp Genetics (formerly Invitae), Labcorp
Classification: Uncertain significance. Last evaluated: 2022-01-04. Review status: criteria provided, single submitter. Criteria: Invitae Variant Classification Sherloc (09022015). Collection method: clinical testing. Allele origin: germline.
Comment: In summary, the available evidence is currently insufficient to determine the role of this variant in disease. Therefore, it has been classified as a Variant of Uncertain Significance. Algorithms developed to predict the effect of missense changes on protein structure and function (SIFT, PolyPhen-2, Align-GVGD) all suggest that this variant is likely to be disruptive. This variant has not been reported in the literature in individuals affected with CSGALNACT1-related conditions. This variant is present in population databases (no rsID available, gnomAD 0.006%). This sequence change replaces arginine, which is basic and polar, with proline, which is neutral and non-polar, at codon 455 of the CSGALNACT1 protein (p.Arg455Pro).